The following is an entry in ClinVar:

ClinVar aggregate classification (germline): Benign. Review status: criteria provided, multiple submitters, no conflicts (2 of 4 stars). 5 submissions from 5 submitters: Benign (5). Last evaluated 2026-02-03.

Conditions:
Orthostatic hypotension 1 (ORTHYP1). Also called: Dopamine beta-hydroxylase deficiency; Orthostatic hypotension 1, due to DBH deficiency; NORADRENALINE DEFICIENCY; NOREPINEPHRINE DEFICIENCY. Identifiers: Orphanet 230, MedGen C4746777, MONDO:0009123, OMIM 223360.

Allele frequency attached by ClinVar (database versions not stated): gnomAD 0.01221 and 0.01365; TOPMed 0.01302; 1000 Genomes Project 30x 0.01515; 1000 Genomes Project 0.01518; ESP Exome Variant Server 0.01692; gnomAD exomes 0.01851 and 0.02088; ExAC 0.01969.
gnomAD v4.1: 32,459 of 1,614,134 alleles (2%); highest among the groups gnomAD compares: South Asian, 5.4%; 480 homozygotes.

Submissions (5):

Labcorp Genetics (formerly Invitae), Labcorp
Classification: Benign for Orthostatic hypotension 1. Last evaluated: 2026-02-03. Review status: criteria provided, single submitter. Criteria: Invitae Variant Classification Sherloc (09022015). Collection method: clinical testing. Allele origin: germline.

Blueprint Genetics
Classification: Benign. Last evaluated: 2024-11-27. Review status: criteria provided, single submitter. Criteria: ACMG Guidelines, 2015. Collection method: clinical testing. Allele origin: germline.

GeneDx
Classification: Benign. Last evaluated: 2021-05-05. Review status: criteria provided, single submitter. Criteria: GeneDx Variant Classification Process June 2021. Collection method: clinical testing. Allele origin: germline. Affected: yes.

Illumina Laboratory Services, Illumina
Classification: Benign for Orthostatic hypotension 1. Last evaluated: 2018-01-13. Review status: criteria provided, single submitter. Criteria: ICSL Variant Classification Criteria 13 December 2019. Collection method: clinical testing. Allele origin: germline.
Comment: This variant was observed in the ICSL laboratory as part of a predisposition screen in an ostensibly healthy population. It had not been previously curated by ICSL or reported in the Human Gene Mutation Database (HGMD: prior to June 1st, 2018), and was therefore a candidate for classification through an automated scoring system. Utilizing variant allele frequency, disease prevalence and penetrance estimates, and inheritance mode, an automated score was calculated to assess if this variant is too frequent to cause the disease. Based on the score and internal cut-off values, a variant classified as benign is not then subjected to further curation. The score for this variant resulted in a classification of benign for this disease.

Breakthrough Genomics
Classification: Benign. Review status: criteria provided, single submitter. Criteria: ACMG Guidelines, 2015. Collection method: not provided. Allele origin: germline. Inheritance: Autosomal recessive inheritance. Affected: yes.

NM_000787.4(DBH):c.602A>G (p.Asn201Ser)

Gene: DBH (dopamine beta-hydroxylase; plus strand). Cytogenetic location: 9q34.2.
Variant type: single nucleotide variant.
Coding change: c.602A>G on transcript NM_000787.4 (MANE Select); coding-DNA position 602, A replaced by G.
Protein change: p.Asn201Ser; replaces asparagine 201 with serine.
Molecular consequence: missense variant.
Genome position (GRCh38, 1-based): chr9:133,642,322, A>G. VCF-style: chr9-133642322-A-G. GRCh37 (hg19) VCF-style: chr9-136507444-A-G.
Other names: short protein forms N201S.
Identifiers: ClinVar variation 365640 (VCV000365640.17), dbSNP rs45465204, ClinGen allele CA5313131.